The following is an entry in ClinVar:

ClinVar aggregate classification (germline): Uncertain significance (1 of 4 stars; one submission).

gnomAD v4.1: 1 of 1,571,362 alleles (0.000064%); highest among the groups gnomAD compares: Non-Finnish European, 0.000087%; no homozygotes.

Submission:

Labcorp Genetics (formerly Invitae), Labcorp
Classification: Uncertain significance. Last evaluated: 2025-06-15. Review status: criteria provided, single submitter. Criteria: Invitae Variant Classification Sherloc (09022015). Collection method: clinical testing. Allele origin: germline.
Comment: This sequence change replaces leucine, which is neutral and non-polar, with phenylalanine, which is neutral and non-polar, at codon 290 of the FBXW7 protein (p.Leu290Phe). This variant is not present in population databases (gnomAD no frequency). This variant has not been reported in the literature in individuals affected with FBXW7-related conditions. An algorithm developed to predict the effect of missense changes on protein structure and function (PolyPhen-2) suggests that this variant is likely to be disruptive. In summary, the available evidence is currently insufficient to determine the role of this variant in disease. Therefore, it has been classified as a Variant of Uncertain Significance.

NM_001349798.2(FBXW7):c.868C>T (p.Leu290Phe)

Gene: FBXW7 (F-box and WD repeat domain containing 7; minus strand). Cytogenetic location: 4q31.3.
Variant type: single nucleotide variant.
Coding change: c.868C>T on transcript NM_001349798.2 (MANE Select); coding-DNA position 868, C replaced by T.
Protein change: p.Leu290Phe; replaces leucine 290 with phenylalanine.
Molecular consequence: missense variant.
Genome position (GRCh38, 1-based): chr4:152,332,713, G>A on the plus strand (C>T on the coding strand, the complement: FBXW7 is on the minus strand). VCF-style: chr4-152332713-G-A. GRCh37 (hg19) VCF-style: chr4-153253865-G-A.
Other names: c.514C>T, p.Leu172Phe (NM_001013415.2); c.628C>T, p.Leu210Phe (NM_018315.5); c.868C>T, p.Leu290Phe (NM_033632.3); short protein forms L172F, L210F, L290F.
Identifiers: ClinVar variation 4805570 (VCV004805570.1).